The following is an entry in ClinVar:

ClinVar aggregate classification (germline): Uncertain significance. Review status: criteria provided, multiple submitters, no conflicts (2 of 4 stars). 2 submissions from 2 submitters: Uncertain significance (2). Last evaluated 2023-02-22.

Conditions:
Epileptic encephalopathy. Identifiers: MedGen C0543888, HP:0200134.

Submissions (2):

GeneDx
Classification: Uncertain significance. Last evaluated: 2023-02-22. Review status: criteria provided, single submitter. Criteria: GeneDx Variant Classification Process June 2021. Collection method: clinical testing. Allele origin: germline. Affected: yes.
Comment: Not observed in large population cohorts (gnomAD); In silico analysis, which includes protein predictors and evolutionary conservation, supports that this variant does not alter protein structure/function; Has not been previously published as pathogenic or benign to our knowledge

Labcorp Genetics (formerly Invitae), Labcorp
Classification: Uncertain significance for Epileptic encephalopathy. Last evaluated: 2022-11-08. Review status: criteria provided, single submitter. Criteria: Invitae Variant Classification Sherloc (09022015). Collection method: clinical testing. Allele origin: germline.
Comment: Algorithms developed to predict the effect of missense changes on protein structure and function are either unavailable or do not agree on the potential impact of this missense change (SIFT: "Deleterious"; PolyPhen-2: "Benign"; Align-GVGD: "Class C0"). ClinVar contains an entry for this variant (Variation ID: 1307063). This variant has not been reported in the literature in individuals affected with GABBR2-related conditions. This variant is not present in population databases (gnomAD no frequency). This sequence change replaces asparagine, which is neutral and polar, with serine, which is neutral and polar, at codon 856 of the GABBR2 protein (p.Asn856Ser). In summary, the available evidence is currently insufficient to determine the role of this variant in disease. Therefore, it has been classified as a Variant of Uncertain Significance.

NM_005458.8(GABBR2):c.2567A>G (p.Asn856Ser)

Gene: GABBR2 (gamma-aminobutyric acid type B receptor subunit 2; minus strand). Cytogenetic location: 9q22.33.
Variant type: single nucleotide variant.
Coding change: c.2567A>G on transcript NM_005458.8 (MANE Select); coding-DNA position 2567, A replaced by G.
Protein change: p.Asn856Ser; replaces asparagine 856 with serine.
Molecular consequence: missense variant.
Genome position (GRCh38, 1-based): chr9:98,293,878, T>C on the plus strand (A>G on the coding strand, the complement: GABBR2 is on the minus strand). VCF-style: chr9-98293878-T-C. GRCh37 (hg19) VCF-style: chr9-101056160-T-C.
Other names: short protein forms N856S.
Identifiers: ClinVar variation 1307063 (VCV001307063.5), dbSNP rs1830340895, ClinGen allele CA374210178.
Genomic context (GRCh38, chr9:98,293,878, plus strand): 5'-TTGCATGTTCGAGAGGGCTCTGTTGTGTTCCACTGTAGCTGGGGATTTTGATCGAGGTGA[T>C]TTTTTAAAATGGCCTTTCCTCCATCTGAATGCAAAACAACAATACCACAACATGTTCGGT-3'
Protein context (NP_005449.5, residues 846-866): STDGGKAILK[Asn856Ser]HLDQNPQLQW